The following is an entry in ClinVar:

NM_004210.5(NEURL1):c.354C>T (p.Ser118=)

Gene: NEURL1 (neuralized E3 ubiquitin protein ligase 1; plus strand). Cytogenetic location: 10q24.33.
Variant type: single nucleotide variant.
Coding change: c.354C>T on transcript NM_004210.5 (MANE Select); coding-DNA position 354, C replaced by T.
Protein change: p.Ser118=; no amino-acid change (serine 118 retained).
Molecular consequence: synonymous variant.
Genome position (GRCh38, 1-based): chr10:103,571,527, C>T. VCF-style: chr10-103571527-C-T. GRCh37 (hg19) VCF-style: chr10-105331284-C-T.
Identifiers: ClinVar variation 2640808 (VCV002640808.24), dbSNP rs778447200, ClinGen allele CA5675097.
Genomic context (GRCh38, chr10:103,571,527, plus strand): 5'-AGAGGGTGGGCTGAGGCCACCCCCTGCCACCCAGATCACCAAGAAGCAGTGCTGCTGGAG[C>T]GGGGCCCTGCGGCTGGGCTTCACCAGCAAGGACCCGTCCCGCATCCACCCTGACTCGCTG-3'
Protein context (NP_004201.3, residues 108-128): LKITKKQCCW[Ser118=]GALRLGFTSK

ClinVar aggregate classification (germline): Likely benign (1 of 4 stars; one submission).

Allele frequency attached by ClinVar (database versions not stated): gnomAD exomes 0.00004; TOPMed 0.00004; gnomAD 0.00005; ExAC 0.00009.
gnomAD v4.1: 78 of 1,607,692 alleles (0.0049%); highest among the groups gnomAD compares: East Asian, 0.0022%; no homozygotes.

Submission:

CeGaT Center for Human Genetics Tuebingen
Classification: Likely benign. Last evaluated: 2023-03-01. Review status: criteria provided, single submitter. Criteria: CeGaT Center For Human Genetics Tuebingen Variant Classification Criteria Version 2. Collection method: clinical testing. Allele origin: germline. Affected: yes. Observed: 1 variant allele.
Comment: NEURL1: BP4, BP7